The following is an entry in ClinVar:

ClinVar aggregate classification (germline): Uncertain significance. Review status: criteria provided, multiple submitters, no conflicts (2 of 4 stars). 2 submissions from 2 submitters: Uncertain significance (2). Last evaluated 2025-09-22.

Conditions:
Hereditary cancer-predisposing syndrome. Also called: Neoplastic Syndromes, Hereditary; Hereditary Cancer Syndrome; Hereditary neoplastic syndrome; Tumor predisposition. Identifiers: Orphanet 140162, MedGen C0027672, MeSH D009386, MONDO:0015356.
Familial cancer of breast. Also called: Hereditary breast cancer; BREAST CANCER, FAMILIAL; hereditary breast carcinoma. Identifiers: Orphanet 227535, MedGen C0346153, MONDO:0016419, OMIM 114480. Disease mechanism: loss of function.

Submissions (2):

Color Diagnostics, LLC DBA Color Health
Classification: Uncertain significance for Hereditary cancer-predisposing syndrome. Last evaluated: 2025-09-22. Review status: criteria provided, single submitter. Criteria: ACMG Guidelines, 2015. Collection method: clinical testing. Allele origin: germline.
Comment: This missense variant replaces proline with arginine at codon 806 of the PALB2 protein. Computational prediction suggests that this variant may not impact protein structure and function. To our knowledge, functional studies have not been reported for this variant. This variant has been reported in an individual affected with breast cancer (PMID: 26283626). This variant has not been identified in the general population by the Genome Aggregation Database (gnomAD). The available evidence is insufficient to determine the role of this variant in disease conclusively. Therefore, this variant is classified as a Variant of Uncertain Significance.

Labcorp Genetics (formerly Invitae), Labcorp
Classification: Uncertain significance for Familial cancer of breast. Last evaluated: 2023-10-11. Review status: criteria provided, single submitter. Criteria: Invitae Variant Classification Sherloc (09022015). Collection method: clinical testing. Allele origin: germline.
Comment: This sequence change replaces proline, which is neutral and non-polar, with arginine, which is basic and polar, at codon 806 of the PALB2 protein (p.Pro806Arg). This variant is not present in population databases (gnomAD no frequency). This variant has not been reported in the literature in individuals affected with PALB2-related conditions. ClinVar contains an entry for this variant (Variation ID: 1059738). Advanced modeling of protein sequence and biophysical properties (such as structural, functional, and spatial information, amino acid conservation, physicochemical variation, residue mobility, and thermodynamic stability) performed at Invitae indicates that this missense variant is not expected to disrupt PALB2 protein function. In summary, the available evidence is currently insufficient to determine the role of this variant in disease. Therefore, it has been classified as a Variant of Uncertain Significance.

Literature cited by the submitters: PubMed 26283626 (cited by Color Diagnostics, LLC DBA Color Health).

NM_024675.4(PALB2):c.2417C>G (p.Pro806Arg)

Gene: PALB2 (partner and localizer of BRCA2; minus strand). Cytogenetic location: 16p12.2.
Variant type: single nucleotide variant.
Coding change: c.2417C>G on transcript NM_024675.4 (MANE Select); coding-DNA position 2417, C replaced by G.
Protein change: p.Pro806Arg; replaces proline 806 with arginine.
Molecular consequence: missense variant.
Genome position (GRCh38, 1-based): chr16:23,629,737, G>C on the plus strand (C>G on the coding strand, the complement: PALB2 is on the minus strand). VCF-style: chr16-23629737-G-C. GRCh37 (hg19) VCF-style: chr16-23641058-G-C.
Other names: short protein forms P806R.
Identifiers: ClinVar variation 1059738 (VCV001059738.10), dbSNP rs45464991, ClinGen allele CA395124345.